The following is an entry in ClinVar:

NM_003560.4(PLA2G6):c.1465A>G (p.Lys489Glu)

Gene: PLA2G6 (phospholipase A2 group VI; minus strand). Cytogenetic location: 22q13.1.
Variant type: single nucleotide variant.
Coding change: c.1465A>G on transcript NM_003560.4 (MANE Select); coding-DNA position 1465, A replaced by G.
Protein change: p.Lys489Glu; replaces lysine 489 with glutamic acid.
Molecular consequence: missense variant.
Genome position (GRCh38, 1-based): chr22:38,123,221, T>C on the plus strand (A>G on the coding strand, the complement: PLA2G6 is on the minus strand). VCF-style: chr22-38123221-T-C. GRCh37 (hg19) VCF-style: chr22-38519228-T-C.
Other names: c.1303A>G, p.Lys435Glu (NM_001004426.3, NM_001199562.3, NM_001349865.2 and 1 more transcripts); c.1465A>G, p.Lys489Glu (NM_001349864.2); c.931A>G, p.Lys311Glu (NM_001349867.2); c.787A>G, p.Lys263Glu (NM_001349868.2); c.769A>G, p.Lys257Glu (NM_001349869.2); short protein forms K257E, K263E, K311E, K435E, K489E.
Identifiers: ClinVar variation 1526035 (VCV001526035.1), dbSNP rs1326907784, ClinGen allele CA411528065.

ClinVar aggregate classification (germline): Uncertain significance (1 of 4 stars; one submission).

Conditions:
Infantile neuroaxonal dystrophy (NBIA2A). Also called: NEURODEGENERATION WITH BRAIN IRON ACCUMULATION 2A; SEITELBERGER DISEASE; Infantile neuroaxonal dystrophy 1. Identifiers: Orphanet 35069, MedGen C0270724, MONDO:0024457, OMIM 256600.

Allele frequency attached by ClinVar (database versions not stated): gnomAD 0.00001; TOPMed 0.00001.

Submission:

3billion
Classification: Uncertain significance for Infantile neuroaxonal dystrophy. Last evaluated: 2022-03-22. Review status: criteria provided, single submitter. Criteria: ACMG Guidelines, 2015. Collection method: clinical testing. Allele origin: germline. Affected: yes. Observed: 1 heterozygote.
Comment: The variant is not observed in the gnomAD v2.1.1 dataset. In silico tool predictions suggest damaging effect of the variant on gene or gene product (REVEL: 0.641>=0.6, 3CNET: 0.967>=0.75). A missense variant is a common mechanism. Therefore, this variant is classified as uncertain significance according to the recommendation of ACMG/AMP guideline.